The following is an entry in ClinVar:

NM_017619.4(RNPC3):c.626A>G (p.Tyr209Cys)

Gene: RNPC3 (RNA binding region (RNP1, RRM) containing 3; plus strand). Cytogenetic location: 1p21.1.
Variant type: single nucleotide variant.
Coding change: c.626A>G on transcript NM_017619.4 (MANE Select); coding-DNA position 626, A replaced by G.
Protein change: p.Tyr209Cys; replaces tyrosine 209 with cysteine.
Molecular consequence: missense variant.
Genome position (GRCh38, 1-based): chr1:103,537,343, A>G. VCF-style: chr1-103537343-A-G. GRCh37 (hg19) VCF-style: chr1-104079965-A-G.
Other names: short protein forms Y209C.
Identifiers: ClinVar variation 4975397 (VCV004975397.1).

ClinVar aggregate classification (germline): Uncertain significance (1 of 4 stars; one submission).

gnomAD v4.1: 28 of 1,530,286 alleles (0.0018%); highest among the groups gnomAD compares: South Asian, 0.016%; no homozygotes.

Submission:

GeneDx
Classification: Uncertain significance. Last evaluated: 2026-01-26. Review status: criteria provided, single submitter. Criteria: GeneDx Variant Classification Process June 2021. Collection method: clinical testing. Allele origin: germline.
Comment: In silico analysis supports that this missense variant has a deleterious effect on protein structure/function; Has not been previously published as pathogenic or benign to our knowledge